The following is an entry in ClinVar:

NM_001101.5(ACTB):c.484A>G (p.Thr162Ala)

Gene: ACTB (actin beta; minus strand). Cytogenetic location: 7p22.1.
Variant type: single nucleotide variant.
Coding change: c.484A>G on transcript NM_001101.5 (MANE Select); coding-DNA position 484, A replaced by G.
Protein change: p.Thr162Ala; replaces threonine 162 with alanine.
Molecular consequence: missense variant.
Genome position (GRCh38, 1-based): chr7:5,528,599, T>C on the plus strand (A>G on the coding strand, the complement: ACTB is on the minus strand). VCF-style: chr7-5528599-T-C. GRCh37 (hg19) VCF-style: chr7-5568230-T-C.
Other names: short protein forms T162A.
Identifiers: ClinVar variation 1202044 (VCV001202044.3), dbSNP rs2128241289, ClinGen allele CA366703413.

ClinVar aggregate classification (germline): Pathogenic (1 of 4 stars; one submission).

Submission:

GeneDx
Classification: Pathogenic. Last evaluated: 2020-09-14. Review status: criteria provided, single submitter. Criteria: GeneDx Variant Classification Process June 2021. Collection method: clinical testing. Allele origin: germline. Affected: yes.
Comment: Not observed in large population cohorts (Lek et al., 2016); The majority of missense variants in this gene are considered pathogenic (Stenson et al., 2014); In silico analysis supports that this missense variant has a deleterious effect on protein structure/function; This variant is associated with the following publications: (PMID: 29372643)